The following is an entry in ClinVar:

ClinVar aggregate classification (germline): Likely pathogenic. Review status: criteria provided, multiple submitters, no conflicts (2 of 4 stars). 2 submissions from 2 submitters: Likely pathogenic (2). Last evaluated 2017-08-18.

Conditions:
Hyperphosphatasia with impaired intellectual development syndrome 2. Also called: GLYCOSYLPHOSPHATIDYLINOSITOL BIOSYNTHESIS DEFECT 6; Hyperphosphatasia with intellectual disability syndrome 2. Identifiers: Orphanet 247262, MedGen C3553637, MONDO:0013882, OMIM 614749.

Allele frequency attached by ClinVar (database versions not stated): TOPMed 0.00001; gnomAD exomes below 0.00001; ExAC 0.00001; gnomAD 0.00001.

Submissions (2):

GeneDx
Classification: Likely pathogenic. Last evaluated: 2017-08-18. Review status: criteria provided, single submitter. Criteria: GeneDx Variant Classification (06012015). Collection method: clinical testing. Allele origin: germline. Affected: yes.
Comment: A variant that is likely pathogenic has been identified in the PIGO gene. The c.2648-1 G>A variant has not been published as a pathogenic variant, nor has it been reported as a benign variant to our knowledge. It is not observed in large population cohorts (Lek et al., 2016; 1000 Genomes Consortium et al., 2015; Exome Variant Server). The c.2648-1 G>A splice site variant is predicted to destroy the canonical splice acceptor site in intron 7. It is predicted to cause abnormal gene splicing, either leading to an abnormal message that is subject to nonsense-mediated mRNA decay, or to an abnormal protein product if the message is used for protein translation. Therefore, this variant is likely pathogenic; however, the possibility that it is benign cannot be excluded.

Labcorp Genetics (formerly Invitae), Labcorp
Classification: Likely pathogenic for Hyperphosphatasia with impaired intellectual development syndrome 2. Last evaluated: 2017-08-06. Review status: criteria provided, single submitter. Criteria: Invitae Variant Classification Sherloc (09022015). Collection method: clinical testing. Allele origin: germline.
Comment: This sequence change affects an acceptor splice site in intron 7 of the PIGO gene. It is expected to disrupt RNA splicing and likely results in an absent or disrupted protein product. The frequency data for this variant in the population databases is considered unreliable, as metrics indicate poor data quality at this position in the ExAC database. This variant has not been reported in the literature in individuals with PIGO-related disease. Algorithms developed to predict the effect of sequence changes on RNA splicing suggest that this variant may disrupt the consensus splice site, but this prediction has not been confirmed by published transcriptional studies. Donor and acceptor splice site variants typically lead to a loss of protein function (PMID: 16199547), and loss-of-function variants in PIGO are known to be pathogenic (PMID: 22683086, 24417746). In summary, the currently available evidence indicates that the variant is pathogenic, but additional data are needed to prove that conclusively. Therefore, this variant has been classified as Likely Pathogenic.

Literature cited by the submitters: PubMed 16199547 (cited by Labcorp Genetics (formerly Invitae), Labcorp); PubMed 22683086 (cited by Labcorp Genetics (formerly Invitae), Labcorp); PubMed 24417746 (cited by Labcorp Genetics (formerly Invitae), Labcorp).

NM_032634.4(PIGO):c.2648-1G>A

Gene: PIGO (phosphatidylinositol glycan anchor biosynthesis class O; minus strand). Cytogenetic location: 9p13.3.
Variant type: single nucleotide variant.
Coding change: c.2648-1G>A on transcript NM_032634.4 (MANE Select); the canonical splice acceptor site of the intron before coding-DNA position 2648, G replaced by A.
Molecular consequence: splice acceptor variant.
Genome position (GRCh38, 1-based): chr9:35,090,673, C>T on the plus strand (G>A on the coding strand, the complement: PIGO is on the minus strand). VCF-style: chr9-35090673-C-T. GRCh37 (hg19) VCF-style: chr9-35090670-C-T.
Other names: c.1397-1G>A (NM_152850.4, NM_001201484.2).
Identifiers: ClinVar variation 451522 (VCV000451522.8), dbSNP rs755750516, ClinGen allele CA5040367.
Genomic context (GRCh38, chr9:35,090,673, plus strand): 5'-AGGTCTGTGTGGCCATGAGGGCCCAAGCCGAGACTGCCTGCCATGGCACAGTAAAAGGAC[C>T]TGGAAGAAAAGATATGCCACGTTACAGTCACTTCTTATTCCCTAATCCATAGGCTACTGC-3'